The following is an entry in ClinVar:

ClinVar aggregate classification (germline): Benign/Likely benign. Review status: criteria provided, multiple submitters, no conflicts (2 of 4 stars). 4 submissions from 4 submitters: Benign (1); Likely benign (2). 1 of the submissions does not count toward it. Last evaluated 2025-07-17.

Conditions:
KIF1A-related disorder. Also called: KIF1A-related disorders; KIF1A-related condition.

Allele frequency attached by ClinVar (database versions not stated): ExAC 0.00254; 1000 Genomes Project 30x 0.01483; gnomAD exomes 0.00194; TOPMed 0.00903; gnomAD 0.00816 and 0.00865; 1000 Genomes Project 0.01318.
gnomAD v4.1: 2,423 of 1,592,544 alleles (0.15%); highest among the groups gnomAD compares: African/African-American, 2.7%; 28 homozygotes.

Submissions (4):

ARUP Laboratories, Molecular Genetics and Genomics, ARUP Laboratories
Classification: Benign. Last evaluated: 2025-07-17. Review status: criteria provided, single submitter. Criteria: ARUP Molecular Germline Variant Investigation Process 2024. Collection method: clinical testing. Allele origin: germline.

GeneDx
Classification: Likely benign. Last evaluated: 2018-06-16. Review status: criteria provided, single submitter. Criteria: GeneDx Variant Classification (06012015). Collection method: clinical testing. Allele origin: germline. Affected: yes.
Comment: This variant is considered likely benign or benign based on one or more of the following criteria: it is a conservative change, it occurs at a poorly conserved position in the protein, it is predicted to be benign by multiple in silico algorithms, and/or has population frequency not consistent with disease.

Breakthrough Genomics
Classification: Likely benign. Review status: criteria provided, single submitter. Criteria: ACMG Guidelines, 2015. Collection method: not provided. Allele origin: germline. Inheritance: Autosomal recessive inheritance. Affected: yes.

PreventionGenetics, part of Exact Sciences
Classification: Benign for KIF1A-related condition. Last evaluated: 2019-09-19. Review status: no assertion criteria provided. Collection method: clinical testing. Allele origin: germline. Not counted in ClinVar's aggregate classification.
Comment: This variant is classified as benign based on ACMG/AMP sequence variant interpretation guidelines (Richards et al. 2015 PMID: 25741868, with internal and published modifications).

NM_001244008.2(KIF1A):c.1208-73G>A

Gene: KIF1A (kinesin family member 1A; minus strand). Cytogenetic location: 2q37.3.
Variant type: single nucleotide variant.
Coding change: c.1208-73G>A on transcript NM_001244008.2 (MANE Select); 73 bases into the intron before coding-DNA position 1208, G replaced by A.
Molecular consequence: intron variant. On other transcripts: missense variant (7).
Genome position (GRCh38, 1-based): chr2:240,771,177, C>T on the plus strand (G>A on the coding strand, the complement: KIF1A is on the minus strand). VCF-style: chr2-240771177-C-T. GRCh37 (hg19) VCF-style: chr2-241710594-C-T.
Other names: c.1181-73G>A (NM_001379639.1, NM_001379649.1, NM_001379636.1 and 10 more transcripts); c.1208-73G>A (NM_001320705.2, NM_001379638.1, NM_001330289.2); c.1210G>A (NM_001330290.1); c.1210G>A, p.Val404Met (NM_001330290.2, NM_001379631.1, NM_001379634.1 and 2 more transcripts); c.1183G>A, p.Val395Met (NM_001379637.1, NM_001379648.1); short protein forms V404M, V395M.
Identifiers: ClinVar variation 679511 (VCV000679511.5), dbSNP rs76061558, ClinGen allele CA2208495.